The following is an entry in ClinVar:

ClinVar aggregate classification (germline): Uncertain significance. Review status: criteria provided, multiple submitters, no conflicts (2 of 4 stars). 2 submissions from 2 submitters: Uncertain significance (2). Last evaluated 2025-08-05.

Conditions:
Hereditary spastic paraplegia 3A (SPG3A). Also called: SPASTIC PARAPLEGIA 3, AUTOSOMAL DOMINANT; FAMILIAL SPASTIC PARAPLEGIA, AUTOSOMAL DOMINANT, 1; SPG3; STRUMPELL DISEASE; Spastic Paraplegia 3A; Spastic paraplegia 3A, autosomal dominant. Identifiers: Orphanet 100984, MedGen C2931355, MONDO:0008437, OMIM 182600.
Inborn genetic diseases. Identifiers: MedGen C0950123, MeSH D030342.

Allele frequency attached by ClinVar (database versions not stated): gnomAD exomes 0.00002 and 0.00004; TOPMed 0.00002; gnomAD 0.00004.
gnomAD v4.1: 57 of 1,614,058 alleles (0.0035%); highest among the groups gnomAD compares: East Asian, 0.0089%; no homozygotes.

Submissions (2):

Ambry Genetics
Classification: Uncertain significance for Inborn genetic diseases. Last evaluated: 2025-08-05. Review status: criteria provided, single submitter. Criteria: Ambry Variant Classification Scheme 2023. Collection method: clinical testing. Allele origin: germline.

Labcorp Genetics (formerly Invitae), Labcorp
Classification: Uncertain significance for Hereditary spastic paraplegia 3A. Last evaluated: 2025-02-13. Review status: criteria provided, single submitter. Criteria: Invitae Variant Classification Sherloc (09022015). Collection method: clinical testing. Allele origin: germline.
Comment: This sequence change replaces serine, which is neutral and polar, with leucine, which is neutral and non-polar, at codon 59 of the ATL1 protein (p.Ser59Leu). This variant is present in population databases (no rsID available, gnomAD 0.006%). This variant has not been reported in the literature in individuals affected with ATL1-related conditions. ClinVar contains an entry for this variant (Variation ID: 646564). Invitae Evidence Modeling of protein sequence and biophysical properties (such as structural, functional, and spatial information, amino acid conservation, physicochemical variation, residue mobility, and thermodynamic stability) has been performed for this missense variant. However, the output from this modeling did not meet the statistical confidence thresholds required to predict the impact of this variant on ATL1 protein function. In summary, the available evidence is currently insufficient to determine the role of this variant in disease. Therefore, it has been classified as a Variant of Uncertain Significance.

NM_015915.5(ATL1):c.176C>T (p.Ser59Leu)

Gene: ATL1 (atlastin GTPase 1; plus strand). Cytogenetic location: 14q22.1.
Variant type: single nucleotide variant.
Coding change: c.176C>T on transcript NM_015915.5 (MANE Select); coding-DNA position 176, C replaced by T.
Protein change: p.Ser59Leu; replaces serine 59 with leucine.
Molecular consequence: missense variant.
Genome position (GRCh38, 1-based): chr14:50,587,972, C>T. VCF-style: chr14-50587972-C-T. GRCh37 (hg19) VCF-style: chr14-51054690-C-T.
Other names: c.176C>T, p.Ser59Leu (NM_001127713.1, NM_181598.4); short protein forms S59L.
Identifiers: ClinVar variation 646564 (VCV000646564.9), dbSNP rs1278783412, ClinGen allele CA389665703.